The following is an entry in ClinVar:

ClinVar aggregate classification (germline): Uncertain significance (1 of 4 stars; one submission).

Allele frequency attached by ClinVar (database versions not stated): TOPMed below 0.00001; gnomAD exomes 0.00001.
gnomAD v4.1: 3 of 398,638 alleles (0.00075%); highest among the groups gnomAD compares: East Asian, 0.0036%; no homozygotes.

Submission:

CeGaT Center for Human Genetics Tuebingen
Classification: Uncertain significance. Last evaluated: 2022-11-01. Review status: criteria provided, single submitter. Criteria: CeGaT Center For Human Genetics Tuebingen Variant Classification Criteria Version 2. Collection method: clinical testing. Allele origin: germline. Affected: yes. Observed: 2 variant alleles.
Comment: CIC: PM2

NM_001386298.1(CIC):c.1415C>T (p.Thr472Met)

Gene: CIC (capicua transcriptional repressor; plus strand). Cytogenetic location: 19q13.2.
Variant type: single nucleotide variant.
Coding change: c.1415C>T on transcript NM_001386298.1 (MANE Select); coding-DNA position 1415, C replaced by T.
Protein change: p.Thr472Met; replaces threonine 472 with methionine.
Molecular consequence: missense variant.
Genome position (GRCh38, 1-based): chr19:42,273,198, C>T. VCF-style: chr19-42273198-C-T. GRCh37 (hg19) VCF-style: chr19-42777350-C-T.
Other names: c.1415C>T, p.Thr472Met (NM_001304815.2, NM_001379480.1, NM_001379482.1 and 1 more transcripts); short protein forms T472M.
Identifiers: ClinVar variation 2649954 (VCV002649954.24), dbSNP rs2036851137, ClinGen allele CA406084697.